The following is an entry in ClinVar:

ClinVar aggregate classification (germline): Likely benign. Review status: criteria provided, multiple submitters, no conflicts (2 of 4 stars). 2 submissions from 2 submitters: Likely benign (2). Last evaluated 2025-12-19.

Conditions:
Peroxisome biogenesis disorder 2B (PBD2B). Identifiers: Orphanet 44, MedGen C3550234, MONDO:0008736, OMIM 202370.
PEX5-related disorder. Also called: PEX5-related condition; PEX5-Related Disorders.

gnomAD v4.1: 2 of 1,571,076 alleles (0.00013%); highest among the groups gnomAD compares: Admixed American, 0.0018%; no homozygotes.

Submissions (2):

Labcorp Genetics (formerly Invitae), Labcorp
Classification: Likely benign for Peroxisome biogenesis disorder 2B. Last evaluated: 2025-12-19. Review status: criteria provided, single submitter. Criteria: Invitae Variant Classification Sherloc (09022015). Collection method: clinical testing. Allele origin: germline.

PreventionGenetics, part of Exact Sciences
Classification: Likely benign for PEX5-related condition. Last evaluated: 2025-06-16. Review status: criteria provided, single submitter. Criteria: ACMG Guidelines, 2015. Collection method: clinical testing. Allele origin: germline.
Comment: This variant is classified as likely benign based on ACMG/AMP sequence variant interpretation guidelines (Richards et al. 2015 PMID: 25741868, with internal and published modifications).

NM_001351132.2(PEX5):c.1632G>C (p.Ala544=)

Gene: PEX5 (peroxisomal biogenesis factor 5; plus strand). Cytogenetic location: 12p13.31.
Variant type: single nucleotide variant.
Coding change: c.1632G>C on transcript NM_001351132.2 (MANE Select); coding-DNA position 1632, G replaced by C.
Protein change: p.Ala544=; no amino-acid change (alanine 544 retained).
Molecular consequence: synonymous variant.
Genome position (GRCh38, 1-based): chr12:7,209,754, G>C. VCF-style: chr12-7209754-G-C. GRCh37 (hg19) VCF-style: chr12-7362350-G-C.
Other names: c.1632G>C (NM_001131025.1); c.1608G>C, p.Ala536= (NM_000319.5); c.1677G>C, p.Ala559= (NM_001131023.2); c.1521G>C, p.Ala507= (NM_001131024.2, NM_001351124.3, NM_001351126.2 and 7 more transcripts); c.1632G>C, p.Ala544= (NM_001131025.2, NM_001131026.2, NM_001300789.3 and 4 more transcripts); c.1566G>C, p.Ala522= (NM_001351135.3, NM_001351138.2); c.1623G>C, p.Ala541= (NM_001351136.2); c.1497G>C, p.Ala499= (NM_001351139.2, NM_001351140.2, NM_001374649.2).
Identifiers: ClinVar variation 1130009 (VCV001130009.10), dbSNP rs115338343, ClinGen allele CA478523380.